The following is an entry in ClinVar:

NM_002292.4(LAMB2):c.4304C>T (p.Pro1435Leu)

Gene: LAMB2 (laminin subunit beta 2; minus strand). Cytogenetic location: 3p21.31.
Variant type: single nucleotide variant.
Coding change: c.4304C>T on transcript NM_002292.4 (MANE Select); coding-DNA position 4304, C replaced by T.
Protein change: p.Pro1435Leu; replaces proline 1435 with leucine.
Molecular consequence: missense variant.
Genome position (GRCh38, 1-based): chr3:49,122,973, G>A on the plus strand (C>T on the coding strand, the complement: LAMB2 is on the minus strand). VCF-style: chr3-49122973-G-A. GRCh37 (hg19) VCF-style: chr3-49160406-G-A.
Other names: short protein forms P1435L.
Identifiers: ClinVar variation 574422 (VCV000574422.13), dbSNP rs140968382, ClinGen allele CA2393816.
Genomic context (GRCh38, chr3:49,122,973, plus strand): 5'-CGGCCCAGTGCTAGGTCTGCTGTAGCCGCTGCCCCATTGCAGCTGAGGCCCCCACAGCGC[G>A]GCTGCCCATCCTCATCTCGACAGCCGGCACCCCCACAAGGGCTTGTAGCACAGGGTGCAT-3'
Protein context (NP_002283.3, residues 1425-1445): GAGCRDEDGQ[Pro1435Leu]RCGGLSCNGA

ClinVar aggregate classification (germline): Conflicting classifications of pathogenicity. Review status: criteria provided, conflicting classifications (1 of 4 stars). 6 submissions from 6 submitters: Uncertain significance (5); Likely benign (1). Last evaluated 2024-10-17.

Conditions:
Pierson syndrome. Also called: MICROCORIA-CONGENITAL NEPHROTIC SYNDROME. Identifiers: Orphanet 2670, MedGen C1836876, MONDO:0012184, OMIM 609049.
LAMB2-related infantile-onset nephrotic syndrome. Also called: Nephrotic Syndrome, type 5; NEPHROTIC SYNDROME, TYPE 5, WITHOUT OCULAR ABNORMALITIES; NEPHROTIC SYNDROME, TYPE 5, WITH OCULAR ABNORMALITIES. Identifiers: Orphanet 306507, MedGen C3280113, MONDO:0013621, OMIM 614199.
LAMB2-related disorder. Also called: LAMB2-related condition.

Allele frequency attached by ClinVar (database versions not stated): gnomAD exomes 0.00003 and 0.00007; ESP Exome Variant Server 0.00008; ExAC 0.00010; TOPMed 0.00011; gnomAD 0.00032; 1000 Genomes Project 0.00040; 1000 Genomes Project 30x 0.00062.
gnomAD v4.1: 78 of 1,608,878 alleles (0.0048%); highest among the groups gnomAD compares: African/African-American, 0.049%; no homozygotes.

Submissions (6):

Labcorp Genetics (formerly Invitae), Labcorp
Classification: Uncertain significance for LAMB2-related infantile-onset nephrotic syndrome; Pierson syndrome. Last evaluated: 2024-10-17. Review status: criteria provided, single submitter. Criteria: Invitae Variant Classification Sherloc (09022015). Collection method: clinical testing. Allele origin: germline.
Comment: This sequence change replaces proline, which is neutral and non-polar, with leucine, which is neutral and non-polar, at codon 1435 of the LAMB2 protein (p.Pro1435Leu). This variant is present in population databases (rs140968382, gnomAD 0.06%). This missense change has been observed in individual(s) with clinical features of LAMB2-related conditions (PMID: 36307859). ClinVar contains an entry for this variant (Variation ID: 574422). An algorithm developed to predict the effect of missense changes on protein structure and function (PolyPhen-2) suggests that this variant¬¨‚Ä†is likely to be tolerated. In summary, the available evidence is currently insufficient to determine the role of this variant in disease. Therefore, it has been classified as a Variant of Uncertain Significance.

3billion
Classification: Likely benign for LAMB2-related infantile-onset nephrotic syndrome; Pierson syndrome. Last evaluated: 2024-09-20. Review status: criteria provided, single submitter. Criteria: ACMG Guidelines, 2015. Collection method: clinical testing. Allele origin: germline. Affected: no.
Comment: The homozygous variant was found in patients diagnosed with another variant in a different gene, with no symptoms related to the gene containing the homozygous variant.

GeneDx
Classification: Uncertain significance. Last evaluated: 2024-08-07. Review status: criteria provided, single submitter. Criteria: GeneDx Variant Classification Process June 2021. Collection method: clinical testing. Allele origin: germline. Affected: yes.
Comment: Reported with a second variant on the opposite allele (in trans) in a fetus with ascites and pericardial effusion in published literature (PMID: 36307859); In silico analysis indicates that this missense variant does not alter protein structure/function; This variant is associated with the following publications: (PMID: 32267001, 36307859)

Fulgent Genetics
Classification: Uncertain significance for Pierson syndrome; LAMB2-related infantile-onset nephrotic syndrome. Last evaluated: 2024-02-13. Review status: criteria provided, single submitter. Criteria: ACMG Guidelines, 2015. Collection method: clinical testing. Allele origin: germline.

PreventionGenetics, part of Exact Sciences
Classification: Uncertain significance for LAMB2-related condition. Last evaluated: 2022-12-20. Review status: criteria provided, single submitter. Criteria: ACMG Guidelines, 2015. Collection method: clinical testing. Allele origin: germline.
Comment: The LAMB2 c.4304C>T variant is predicted to result in the amino acid substitution p.Pro1435Leu. To our knowledge, this variant has not been reported in the literature. This variant is reported in 0.057% of alleles in individuals of African descent in gnomAD. At this time, the clinical significance of this variant is uncertain due to the absence of conclusive functional and genetic evidence.

Revvity Omics, Revvity
Classification: Uncertain significance. Last evaluated: 2020-11-10. Review status: criteria provided, single submitter. Criteria: ACMG Guidelines, 2015. Collection method: clinical testing. Allele origin: germline.

Literature cited by the submitters: PubMed 36307859 (cited by Labcorp Genetics (formerly Invitae), Labcorp).